The following is an entry in ClinVar:

ClinVar aggregate classification (germline): Uncertain significance (1 of 4 stars; one submission).

Submission:

GeneDx
Classification: Uncertain significance. Last evaluated: 2024-05-21. Review status: criteria provided, single submitter. Criteria: GeneDx Variant Classification Process June 2021. Collection method: clinical testing. Allele origin: germline. Affected: yes.
Comment: Has not been previously published as pathogenic or benign to our knowledge; Not observed at significant frequency in large population cohorts (gnomAD); In silico analysis supports that this missense variant has a deleterious effect on protein structure/function

NM_001127222.2(CACNA1A):c.976A>G (p.Asn326Asp)

Gene: CACNA1A (calcium voltage-gated channel subunit alpha1 A; minus strand). Cytogenetic location: 19p13.13.
Variant type: single nucleotide variant.
Coding change: c.976A>G on transcript NM_001127222.2 (MANE Select); coding-DNA position 976, A replaced by G.
Protein change: p.Asn326Asp; replaces asparagine 326 with aspartic acid.
Molecular consequence: missense variant.
Genome position (GRCh38, 1-based): chr19:13,359,608, T>C on the plus strand (A>G on the coding strand, the complement: CACNA1A is on the minus strand). VCF-style: chr19-13359608-T-C. GRCh37 (hg19) VCF-style: chr19-13470422-T-C.
Other names: c.976A>G, p.Asn326Asp (NM_000068.4, NM_001127221.2, NM_001174080.2 and 1 more transcripts); short protein forms N326D.
Identifiers: ClinVar variation 3381290 (VCV003381290.1).